The following is an entry in ClinVar:

NM_001330360.2(POLA1):c.1534C>G (p.Leu512Val)

Gene: POLA1 (DNA polymerase alpha 1, catalytic subunit; plus strand). Cytogenetic location: Xp22.11.
Variant type: single nucleotide variant.
Coding change: c.1534C>G on transcript NM_001330360.2 (MANE Select); coding-DNA position 1534, C replaced by G.
Protein change: p.Leu512Val; replaces leucine 512 with valine.
Molecular consequence: missense variant. On other transcripts: non-coding transcript variant (2).
Genome position (GRCh38, 1-based): chrX:24,727,784, C>G. VCF-style: chrX-24727784-C-G. GRCh37 (hg19) VCF-style: chrX-24745901-C-G.
Other names: c.1459C>G, p.Leu487Val (NM_001378303.1); c.1516C>G, p.Leu506Val (NM_016937.4); short protein forms L506V, L487V, L512V.
Identifiers: ClinVar variation 2717791 (VCV002717791.3), dbSNP rs145173850, ClinGen allele CA10372995.

ClinVar aggregate classification (germline): Uncertain significance (1 of 4 stars; one submission).

Allele frequency attached by ClinVar (database versions not stated): gnomAD exomes below 0.00001; gnomAD 0.00001; ExAC 0.00004; TOPMed 0.00005; ESP Exome Variant Server 0.00009.
gnomAD v4.1: 2 of 1,202,464 alleles (0.00017%); highest among the groups gnomAD compares: African/African-American, 0.0035%; no homozygotes.

Submission:

Labcorp Genetics (formerly Invitae), Labcorp
Classification: Uncertain significance. Last evaluated: 2024-05-15. Review status: criteria provided, single submitter. Criteria: Invitae Variant Classification Sherloc (09022015). Collection method: clinical testing. Allele origin: germline.
Comment: This sequence change replaces leucine, which is neutral and non-polar, with valine, which is neutral and non-polar, at codon 506 of the POLA1 protein (p.Leu506Val). This variant is present in population databases (rs145173850, gnomAD 0.02%), including at least one homozygous and/or hemizygous individual. This variant has not been reported in the literature in individuals affected with POLA1-related conditions. An algorithm developed to predict the effect of missense changes on protein structure and function (PolyPhen-2) suggests that this variant is likely to be tolerated. In summary, the available evidence is currently insufficient to determine the role of this variant in disease. Therefore, it has been classified as a Variant of Uncertain Significance.